The following is an entry in ClinVar:

NC_000023.10:g.(31676262_31697491)_(31854937_31893304)del

Gene: DMD (dystrophin; minus strand). Cytogenetic location: Xp21.1.
Variant type: Deletion.
Identifiers: ClinVar variation 987822 (VCV000987822.1).

ClinVar aggregate classification (germline): Pathogenic (1 of 4 stars; one submission).

Conditions:
Neuromuscular disease caused by qualitative or quantitative defects of dystrophin. Also called: Qualitative or quantitative defects of dystrophin. Identifiers: Orphanet 207085, MedGen C5679787, MONDO:0016147.

Submission:

Women's Health and Genetics/Laboratory Corporation of America, LabCorp
Classification: Pathogenic for Dystrophinopathies. Last evaluated: 2020-11-13. Review status: criteria provided, single submitter. Criteria: LabCorp Variant Classification Summary - May 2015. Collection method: clinical testing. Allele origin: germline.
Comment: Variant summary: The variant identified by MLPA or other technology involves the deletion of exons 49-53 in the DMD gene. A presumed nomenclature of c.(7098+1_7099-1)_(7872+1_7873-1)del has been designated for the purposes of this classification. Although exact breakpoints of this deletion are not known, it is expected to result in a large in-frame deletion in the DMD gene, a known mechanism of disease. The variant was absent from approximately 16000 control chromosomes (gnomAD Structural Variation data set). The deletion of exons 49-53 has been reported in the literature in individuals affected with Dystrophinopathies (e.g. Covone_1991, Murugan_2010). These data indicate that the variant may be associated with disease. To our knowledge, no experimental evidence demonstrating an impact on protein function has been reported. One clinical diagnostic laboratory has submitted clinical-significance assessments for this variant to ClinVar after 2014 without evidence for independent evaluation, and cited the variant as pathogenic. Based on the evidence outlined above, the variant was classified as pathogenic.

Literature cited by the submitters: PubMed 1864612; PubMed 20847377.